The following is an entry in ClinVar:

NM_001348768.2(HECW2):c.1990G>C (p.Glu664Gln)

Gene: HECW2 (HECT, C2 and WW domain containing E3 ubiquitin protein ligase 2; minus strand). Cytogenetic location: 2q32.3.
Variant type: single nucleotide variant.
Coding change: c.1990G>C on transcript NM_001348768.2 (MANE Select); coding-DNA position 1990, G replaced by C.
Protein change: p.Glu664Gln; replaces glutamic acid 664 with glutamine.
Molecular consequence: missense variant.
Genome position (GRCh38, 1-based): chr2:196,318,900, C>G on the plus strand (G>C on the coding strand, the complement: HECW2 is on the minus strand). VCF-style: chr2-196318900-C-G. GRCh37 (hg19) VCF-style: chr2-197183624-C-G.
Other names: c.922G>C, p.Glu308Gln (NM_001304840.3); c.1990G>C, p.Glu664Gln (NM_020760.4); short protein forms E308Q, E664Q.
Identifiers: ClinVar variation 1712241 (VCV001712241.2), dbSNP rs2469041901, ClinGen allele CA349964847.
Genomic context (GRCh38, chr2:196,318,900, plus strand): 5'-AGGCTCCGTCTTCCTCCTCCTGAGAAGAAAAGGCTGGGGTTTCAGGAAACCGTGCGCTCT[C>G]AAGAGAGGAGCACCGTGTGTCCACAGAGGACAGCTGCGTGGTCACACTCTCATTGCAGGA-3'
Protein context (NP_001335697.1, residues 654-674): SSVDTRCSSL[Glu664Gln]SARFPETPAF

ClinVar aggregate classification (germline): Uncertain significance (1 of 4 stars; one submission).

Submission:

GeneDx
Classification: Uncertain significance. Last evaluated: 2022-04-21. Review status: criteria provided, single submitter. Criteria: GeneDx Variant Classification Process June 2021. Collection method: clinical testing. Allele origin: germline. Affected: yes.
Comment: Not observed at significant frequency in large population cohorts (gnomAD); In silico analysis supports that this missense variant does not alter protein structure/function; Has not been previously published as pathogenic or benign to our knowledge